The following is an entry in ClinVar:

ClinVar aggregate classification (germline): Uncertain significance (1 of 4 stars; one submission).

Conditions:
Renal cell carcinoma. Identifiers: Orphanet 217071, MedGen C0007134, MeSH D002292, MONDO:0005086, HP:0005584.

Submission:

Labcorp Genetics (formerly Invitae), Labcorp
Classification: Uncertain significance for Renal cell carcinoma. Last evaluated: 2023-06-27. Review status: criteria provided, single submitter. Criteria: Invitae Variant Classification Sherloc (09022015). Collection method: clinical testing. Allele origin: germline.
Comment: In summary, the available evidence is currently insufficient to determine the role of this variant in disease. Therefore, it has been classified as a Variant of Uncertain Significance. Algorithms developed to predict the effect of sequence changes on RNA splicing suggest that this variant may disrupt the consensus splice site. This variant has not been reported in the literature in individuals affected with MET-related conditions. This variant is not present in population databases (gnomAD no frequency). This sequence change falls in intron 16 of the MET gene. It does not directly change the encoded amino acid sequence of the MET protein.

NM_000245.4(MET):c.3341-11G>A

Gene: MET (MET proto-oncogene, receptor tyrosine kinase; plus strand). Cytogenetic location: 7q31.2.
Variant type: single nucleotide variant.
Coding change: c.3341-11G>A on transcript NM_000245.4 (MANE Select); 11 bases into the intron before coding-DNA position 3341, G replaced by A.
Molecular consequence: intron variant.
Genome position (GRCh38, 1-based): chr7:116,778,765, G>A. VCF-style: chr7-116778765-G-A. GRCh37 (hg19) VCF-style: chr7-116418819-G-A.
Other names: c.3395-11G>A (NM_001127500.3); c.2051-11G>A (NM_001324402.2).
Identifiers: ClinVar variation 2749824 (VCV002749824.3), dbSNP rs2117044586, ClinGen allele CA2697557564.
Genomic context (GRCh38, chr7:116,778,765, plus strand): 5'-CCTATCTAAATTTGACAAAAGTATTCACTGTTCCATAATGAAGTTAATGTCTCCACCACT[G>A]GATTTCTCAGGAATCACTGACATAGGAGAAGTTTCCCAATTTCTGACCGAGGGAATCATC-3'